The following is an entry in ClinVar:

ClinVar aggregate classification (germline): Pathogenic/Likely pathogenic. Review status: criteria provided, multiple submitters, no conflicts (2 of 4 stars). 2 submissions from 2 submitters: Pathogenic (1); Likely pathogenic (1). Last evaluated 2026-08-06.

Conditions:
Combined oxidative phosphorylation defect type 20. Also called: Combined oxidative phosphorylation deficiency 20. Identifiers: Orphanet 420728, MedGen C4014660, MONDO:0014397, OMIM 615917.

Allele frequency attached by ClinVar (database versions not stated): gnomAD exomes 0.00001 and below 0.00001; ExAC 0.00001; TOPMed 0.00002; gnomAD 0.00001.

Submissions (2):

OLLIN Analises Genomicas, OLLIN
Classification: Likely pathogenic for Combined oxidative phosphorylation defect type 20. Last evaluated: 2026-08-06. Review status: criteria provided, single submitter. Criteria: ACMG Guidelines 2015 PMID 25741868. Collection method: clinical testing. Allele origin: germline. Inheritance: Autosomal recessive inheritance.
Comment: This nonsense variant, located in exon 27 (of 30), has been reported in ClinVar (accession VCV001420183.6) and in gnomAD with an allele frequency of 0.00037%. However, to our knowledge, it has not been reported in the scientific literature. This variant introduces a premature stop codon, which is predicted to result in either a truncated protein or degradation of the mRNA via nonsense-mediated decay (NMD). According to the currently available evidence, this variant has been classified as likely pathogenic (PVS1, PM2_P).

Labcorp Genetics (formerly Invitae), Labcorp
Classification: Pathogenic. Last evaluated: 2023-08-04. Review status: criteria provided, single submitter. Criteria: Invitae Variant Classification Sherloc (09022015). Collection method: clinical testing. Allele origin: germline.
Comment: For these reasons, this variant has been classified as Pathogenic. ClinVar contains an entry for this variant (Variation ID: 1420183). This variant has not been reported in the literature in individuals affected with VARS2-related conditions. The frequency data for this variant in the population databases is considered unreliable, as metrics indicate poor data quality at this position in the gnomAD database. This sequence change creates a premature translational stop signal (p.Arg947*) in the VARS2 gene. It is expected to result in an absent or disrupted protein product. Loss-of-function variants in VARS2 are known to be pathogenic (PMID: 29313548).

Literature cited by the submitters: PubMed 29313548 (cited by Labcorp Genetics (formerly Invitae), Labcorp).

NM_020442.6(VARS2):c.2749C>T (p.Arg917Ter)

Gene: VARS2 (valyl-tRNA synthetase 2, mitochondrial; plus strand). Cytogenetic location: 6p21.33.
Variant type: single nucleotide variant.
Coding change: c.2749C>T on transcript NM_020442.6 (MANE Select); coding-DNA position 2749, C replaced by T.
Protein change: p.Arg917Ter; replaces arginine 917 with a stop codon.
Molecular consequence: nonsense.
Genome position (GRCh38, 1-based): chr6:30,925,349, C>T. VCF-style: chr6-30925349-C-T. GRCh37 (hg19) VCF-style: chr6-30893126-C-T.
Other names: c.2329C>T, p.Arg777Ter (NM_001167733.3); c.2839C>T, p.Arg947Ter (NM_001167734.2); short protein forms R917*, R947*, R777*.
Identifiers: ClinVar variation 1420183 (VCV001420183.7), dbSNP rs773737253, ClinGen allele CA3706368.